The following is an entry in ClinVar:

ClinVar aggregate classification (germline): Uncertain significance. Review status: criteria provided, multiple submitters, no conflicts (2 of 4 stars). 4 submissions from 4 submitters: Uncertain significance (4). Last evaluated 2023-08-02.

Conditions:
Hereditary cancer-predisposing syndrome. Also called: Tumor predisposition; Hereditary neoplastic syndrome; Hereditary Cancer Syndrome; Neoplastic Syndromes, Hereditary. Identifiers: Orphanet 140162, MedGen C0027672, MeSH D009386, MONDO:0015356.
Familial adenomatous polyposis 1 (FAP1). Also called: FAMILIAL ADENOMATOUS POLYPOSIS 1, ATTENUATED; POLYPOSIS, ADENOMATOUS INTESTINAL. Identifiers: MedGen C2713442, MONDO:0021056, OMIM 175100. Disease mechanism: loss of function.

gnomAD v4.1: 1 of 1,613,948 alleles (0.000062%); highest among the groups gnomAD compares: Non-Finnish European, 0.000085%; no homozygotes.

Submissions (4):

Ambry Genetics
Classification: Uncertain significance for Hereditary cancer-predisposing syndrome. Last evaluated: 2023-08-02. Review status: criteria provided, single submitter. Criteria: Ambry Variant Classification Scheme 2023. Collection method: clinical testing. Allele origin: germline.
Comment: The p.R1239I variant (also known as c.3716G>T), located in coding exon 15 of the APC gene, results from a G to T substitution at nucleotide position 3716. The arginine at codon 1239 is replaced by isoleucine, an amino acid with similar properties. This amino acid position is highly conserved in available vertebrate species. In addition, in silico predictors for this gene do not accurately predict pathogenicity. Since supporting evidence is limited at this time, the clinical significance of this alteration remains unclear.

Labcorp Genetics (formerly Invitae), Labcorp
Classification: Uncertain significance for Familial adenomatous polyposis 1. Last evaluated: 2023-01-09. Review status: criteria provided, single submitter. Criteria: Invitae Variant Classification Sherloc (09022015). Collection method: clinical testing. Allele origin: germline.
Comment: In summary, the available evidence is currently insufficient to determine the role of this variant in disease. Therefore, it has been classified as a Variant of Uncertain Significance. Advanced modeling of protein sequence and biophysical properties (such as structural, functional, and spatial information, amino acid conservation, physicochemical variation, residue mobility, and thermodynamic stability) performed at Invitae indicates that this missense variant is not expected to disrupt APC protein function. ClinVar contains an entry for this variant (Variation ID: 1171906). This variant has not been reported in the literature in individuals affected with APC-related conditions. This variant is not present in population databases (gnomAD no frequency). This sequence change replaces arginine, which is basic and polar, with isoleucine, which is neutral and non-polar, at codon 1239 of the APC protein (p.Arg1239Ile).

Color Diagnostics, LLC DBA Color Health
Classification: Uncertain significance for Hereditary cancer-predisposing syndrome. Last evaluated: 2020-08-17. Review status: criteria provided, single submitter. Criteria: ACMG Guidelines, 2015. Collection method: clinical testing. Allele origin: germline.
Comment: This missense variant replaces arginine with isoleucine at codon 1239 of the APC protein. Computational prediction suggests that this variant may not impact protein structure and function (internally defined REVEL score threshold <= 0.5, PMID: 27666373). To our knowledge, functional studies have not been reported for this variant. This variant has not been reported, as a confirmed germline variant, in individuals affected with hereditary cancer in the literature. This variant has not been identified in the general population by the Genome Aggregation Database (gnomAD). The available evidence is insufficient to determine the role of this variant in disease conclusively. Therefore, this variant is classified as a Variant of Uncertain Significance.

GeneDx
Classification: Uncertain significance. Last evaluated: 2020-04-10. Review status: criteria provided, single submitter. Criteria: GeneDx Variant Classification Process June 2021. Collection method: clinical testing. Allele origin: germline. Affected: yes.
Comment: Not observed in large population cohorts (Lek 2016); In silico analysis supports that this missense variant does not alter protein structure/function; Has not been previously published as pathogenic or benign to our knowledge

NM_000038.6(APC):c.3716G>T (p.Arg1239Ile)

Gene: APC (APC regulator of Wnt signaling pathway; plus strand). Cytogenetic location: 5q22.2.
Variant type: single nucleotide variant.
Coding change: c.3716G>T on transcript NM_000038.6 (MANE Select); coding-DNA position 3716, G replaced by T.
Protein change: p.Arg1239Ile; replaces arginine 1239 with isoleucine.
Molecular consequence: missense variant.
Genome position (GRCh38, 1-based): chr5:112,839,310, G>T. VCF-style: chr5-112839310-G-T. GRCh37 (hg19) VCF-style: chr5-112175007-G-T.
Other names: c.3716G>T, p.Arg1239Ile (NM_001127510.3, NM_001354895.2); c.3662G>T, p.Arg1221Ile (NM_001127511.3); c.3770G>T, p.Arg1257Ile (NM_001354896.2); c.3746G>T, p.Arg1249Ile (NM_001354897.2); c.3641G>T, p.Arg1214Ile (NM_001354898.2); c.3632G>T, p.Arg1211Ile (NM_001354899.2); c.3593G>T, p.Arg1198Ile (NM_001354900.2); c.3539G>T, p.Arg1180Ile (NM_001354901.2); and 5 more; short protein forms R1079I, R1113I, R1138I, R1148I, R1180I, R1198I, R1211I, R1214I.
Identifiers: ClinVar variation 1171906 (VCV001171906.12), dbSNP rs754067085, ClinGen allele CA16029487.
Genomic context (GRCh38, chr5:112,839,310, plus strand): 5'-CCACACCTTCATCTAATGCCAAGAGGCAGAATCAGCTCCATCCAAGTTCTGCACAGAGTA[G>T]AAGTGGTCAGCCTCAAAAGGCTGCCACTTGCAAAGTTTCTTCTATTAACCAAGAAACAAT-3'
Protein context (NP_000029.2, residues 1229-1249): NQLHPSSAQS[Arg1239Ile]SGQPQKAATC